The following is an entry in ClinVar:

ClinVar aggregate classification (germline): Uncertain significance (1 of 4 stars; one submission).

Submission:

Labcorp Genetics (formerly Invitae), Labcorp
Classification: Uncertain significance. Last evaluated: 2021-08-22. Review status: criteria provided, single submitter. Criteria: Invitae Variant Classification Sherloc (09022015). Collection method: clinical testing. Allele origin: germline.
Comment: This sequence change affects codon 744 of the TAOK2 mRNA. It is a 'silent' change, meaning that it does not change the encoded amino acid sequence of the TAOK2 protein. This variant is not present in population databases (ExAC no frequency). This variant has not been reported in the literature in individuals affected with TAOK2-related conditions. Algorithms developed to predict the effect of sequence changes on RNA splicing suggest that this variant may create or strengthen a splice site. In summary, the available evidence is currently insufficient to determine the role of this variant in disease. Therefore, it has been classified as a Variant of Uncertain Significance.

NM_016151.4(TAOK2):c.2232A>G (p.Lys744=)

Gene: TAOK2 (TAO kinase 2; plus strand). Cytogenetic location: 16p11.2.
Variant type: single nucleotide variant.
Coding change: c.2232A>G on transcript NM_016151.4 (MANE Select); coding-DNA position 2232, A replaced by G.
Protein change: p.Lys744=; no amino-acid change (lysine 744 retained).
Molecular consequence: synonymous variant.
Genome position (GRCh38, 1-based): chr16:29,986,504, A>G. VCF-style: chr16-29986504-A-G. GRCh37 (hg19) VCF-style: chr16-29997825-A-G.
Other names: c.2232A>G, p.Lys744= (NM_001252043.2, NM_004783.4).
Identifiers: ClinVar variation 1377006 (VCV001377006.6), dbSNP rs2150903308, ClinGen allele CA494887772.